The following is an entry in ClinVar:

ClinVar aggregate classification (germline): Uncertain significance. Review status: criteria provided, multiple submitters, no conflicts (2 of 4 stars). 4 submissions from 4 submitters: Uncertain significance (4). Last evaluated 2024-03-06.

Conditions:
Cardiomyopathy (CMYO). Also called: Cardiomyopathies. Identifiers: Orphanet 167848, MedGen C0878544, MONDO:0004994, HP:0001638. Inheritance: Various modes of inheritance.
Arrhythmogenic right ventricular dysplasia 5. Also called: Arrhythmogenic Right Ventricular Dysplasia/Cardiomyopathy 5; ARRHYTHMOGENIC RIGHT VENTRICULAR DYSPLASIA, FAMILIAL, 5. Identifiers: MedGen C1858379, MONDO:0011459, OMIM 604400.

Allele frequency attached by ClinVar (database versions not stated): gnomAD exomes below 0.00001.
gnomAD v4.1: 1 of 1,613,910 alleles (0.000062%); highest among the groups gnomAD compares: Non-Finnish European, 0.000085%; no homozygotes.

Submissions (4):

Color Diagnostics, LLC DBA Color Health
Classification: Uncertain significance for Cardiomyopathy. Last evaluated: 2024-03-06. Review status: criteria provided, single submitter. Criteria: ACMG Guidelines, 2015. Collection method: clinical testing. Allele origin: germline.
Comment: This missense variant replaces phenylalanine with isoleucine at codon 190 of the TMEM43 protein. Computational prediction suggests that this variant may not impact protein structure and function (internally defined REVEL score threshold <= 0.5, PMID: 27666373). To our knowledge, functional studies have not been reported for this variant. This variant has not been reported in individuals affected with TMEM43-related disorders in the literature. This variant has been identified in 1/251342 chromosomes in the general population by the Genome Aggregation Database (gnomAD). The available evidence is insufficient to determine the role of this variant in disease conclusively. Therefore, this variant is classified as a Variant of Uncertain Significance.

All of Us Research Program, National Institutes of Health
Classification: Uncertain significance for Arrhythmogenic right ventricular dysplasia 5. Last evaluated: 2023-07-10. Review status: criteria provided, single submitter. Criteria: ACMG Guidelines, 2015. Collection method: clinical testing. Allele origin: germline. Inheritance: Autosomal dominant inheritance. Observed: 1 variant allele, 1 heterozygote.
Comment: This missense variant replaces phenylalanine with isoleucine at codon 190 of the TMEM43 protein. Computational prediction suggests that this variant may not impact protein structure and function (internally defined REVEL score threshold <= 0.5, PMID: 27666373). Splice site prediction tools suggest that this variant may not impact RNA splicing. To our knowledge, functional studies have not been performed for this variant. This variant has not been reported in individuals affected with cardiovascular disorders in the literature. This variant has been identified in 1/251342 chromosomes in the general population by the Genome Aggregation Database (gnomAD). The available evidence is insufficient to determine the role of this variant in disease conclusively. Therefore, this variant is classified as a Variant of Uncertain Significance.

This study involves interpretation of variants in research participants for the purpose of population health screening. Participant phenotype was not available at the time of variant classification. Additional details can be found in publication PMID: 35346344, PMCID: PMC8962531

GeneDx
Classification: Uncertain significance. Last evaluated: 2022-10-25. Review status: criteria provided, single submitter. Criteria: GeneDx Variant Classification Process June 2021. Collection method: clinical testing. Allele origin: germline. Affected: yes.
Comment: Not observed at significant frequency in large population cohorts (gnomAD); In silico analysis supports that this missense variant has a deleterious effect on protein structure/function; Has not been previously published as pathogenic or benign to our knowledge

Labcorp Genetics (formerly Invitae), Labcorp
Classification: Uncertain significance for Arrhythmogenic right ventricular dysplasia 5. Last evaluated: 2022-04-11. Review status: criteria provided, single submitter. Criteria: Invitae Variant Classification Sherloc (09022015). Collection method: clinical testing. Allele origin: germline.
Comment: This sequence change replaces phenylalanine, which is neutral and non-polar, with isoleucine, which is neutral and non-polar, at codon 190 of the TMEM43 protein (p.Phe190Ile). This variant is present in population databases (rs768718054, gnomAD 0.0009%). This variant has not been reported in the literature in individuals affected with TMEM43-related conditions. ClinVar contains an entry for this variant (Variation ID: 921092). Algorithms developed to predict the effect of missense changes on protein structure and function are either unavailable or do not agree on the potential impact of this missense change (SIFT: "Deleterious"; PolyPhen-2: "Possibly Damaging"; Align-GVGD: "Class C0"). In summary, the available evidence is currently insufficient to determine the role of this variant in disease. Therefore, it has been classified as a Variant of Uncertain Significance.

NM_024334.3(TMEM43):c.568T>A (p.Phe190Ile)

Gene: TMEM43 (transmembrane protein 43; plus strand). Cytogenetic location: 3p25.1.
Variant type: single nucleotide variant.
Coding change: c.568T>A on transcript NM_024334.3 (MANE Select); coding-DNA position 568, T replaced by A.
Protein change: p.Phe190Ile; replaces phenylalanine 190 with isoleucine.
Molecular consequence: missense variant.
Genome position (GRCh38, 1-based): chr3:14,133,794, T>A. VCF-style: chr3-14133794-T-A. GRCh37 (hg19) VCF-style: chr3-14175294-T-A.
Other names: short protein forms F190I.
Identifiers: ClinVar variation 921092 (VCV000921092.8), dbSNP rs768718054, ClinGen allele CA054373.
Genomic context (GRCh38, chr3:14,133,794, plus strand): 5'-CACAGTGCCATGGCAGTGGAGTCATTCATGGCAACAGCCCCCTTTGTCCAAATTGGCAGG[T>A]TTTTCCTCTCGTCAGGTAAGTCTCAGGCCTCTCCAGAGGAGCTCGTGCCAGAAGCACAAG-3'
Protein context (NP_077310.1, residues 180-200): ATAPFVQIGR[Phe190Ile]FLSSGLIDKV